The following is an entry in ClinVar:

ClinVar aggregate classification (germline): Uncertain significance (1 of 4 stars; one submission).

Conditions:
Ellis-van Creveld syndrome (EVC). Also called: EVC-Related Ellis-van Creveld Syndrome; EVC2-Related Ellis-van Creveld Syndrome; MESOECTODERMAL DYSPLASIA; Chondroectodermal dysplasia. Identifiers: Orphanet 289, MedGen C0013903, MONDO:0009162, OMIM 225500.
Curry-Hall syndrome (WAD). Also called: WEYERS ACRODENTAL DYSOSTOSIS. Identifiers: Orphanet 952, MedGen C0457013, MONDO:0008673, OMIM 193530.

Submission:

Labcorp Genetics (formerly Invitae), Labcorp
Classification: Uncertain significance for Curry-Hall syndrome; Ellis-van Creveld syndrome. Last evaluated: 2026-01-18. Review status: criteria provided, single submitter. Criteria: Invitae Variant Classification Sherloc (09022015). Collection method: clinical testing. Allele origin: germline.
Comment: This sequence change replaces alanine, which is neutral and non-polar, with arginine, which is basic and polar, at codon 50 of the EVC protein (p.Ala50Arg). Information on the frequency of this variant in the gnomAD database is not available, as this variant may be reported differently in the database. This variant has not been reported in the literature in individuals affected with EVC-related conditions. An algorithm developed to predict the effect of missense changes on protein structure and function (PolyPhen-2) suggests that this variant is likely to be disruptive. In summary, the available evidence is currently insufficient to determine the role of this variant in disease. Therefore, it has been classified as a Variant of Uncertain Significance.

NM_153717.3(EVC):c.148_149delinsAG (p.Ala50Arg)

Gene: EVC (EvC ciliary complex subunit 1; plus strand). Cytogenetic location: 4p16.2.
Variant type: Indel.
Coding change: c.148_149delinsAG on transcript NM_153717.3 (MANE Select); coding-DNA positions 148 to 149, GC replaced by AG.
Protein change: p.Ala50Arg; replaces alanine 50 with arginine.
Molecular consequence: missense variant.
Genome position (GRCh38, 1-based): chr4:5,711,528-5,711,529, GC replaced by AG. VCF-style: chr4-5711528-GC-AG. GRCh37 (hg19) VCF-style: chr4-5713255-GC-AG.
Other names: c.148_149delinsAG, p.Ala50Arg (NM_001306090.2, NM_001306092.2); short protein forms A50R.
Identifiers: ClinVar variation 4791362 (VCV004791362.1).